The following is an entry in ClinVar:

ClinVar aggregate classification (germline): Uncertain significance (1 of 4 stars; one submission).

Conditions:
Familial thoracic aortic aneurysm and aortic dissection (TAAD). Also called: Thoracic aortic aneurysms and dissections. Identifiers: Orphanet 91387, MedGen C4707243, MONDO:0019625.

Allele frequency attached by ClinVar (database versions not stated): gnomAD exomes below 0.00001; ExAC 0.00001; TOPMed 0.00001.
gnomAD v4.1: 2 of 1,614,074 alleles (0.00012%); highest among the groups gnomAD compares: African/African-American, 0.0027%; no homozygotes.

Submission:

All of Us Research Program, National Institutes of Health
Classification: Uncertain significance for Familial thoracic aortic aneurysm and aortic dissection. Last evaluated: 2023-09-17. Review status: criteria provided, single submitter. Criteria: ACMG Guidelines, 2015. Collection method: clinical testing. Allele origin: germline. Inheritance: Autosomal dominant inheritance. Observed: 2 variant alleles, 2 heterozygotes.
Comment: This variant causes a T to C nucleotide substitution at the -6 position of intron 32 of the MYH11 gene. To our knowledge, functional studies have not been reported for this variant. This variant has not been reported in individuals affected with MYH11-related disorders in the literature. This variant has been identified in 2/251386 chromosomes in the general population by the Genome Aggregation Database (gnomAD). The available evidence is insufficient to determine the role of this variant in disease conclusively. Therefore, this variant is classified as a Variant of Uncertain Significance.

This study involves interpretation of variants in research participants for the purpose of population health screening. Participant phenotype was not available at the time of variant classification. Additional details can be found in publication PMID: 35346344, PMCID: PMC8962531

NM_002474.3(MYH11):c.4366-6T>C

Genes: NDE1 (nudE neurodevelopment protein 1; plus strand), MYH11 (myosin heavy chain 11; minus strand). Cytogenetic location: 16p13.11.
Variant type: single nucleotide variant.
Coding change: c.4366-6T>C on transcript NM_002474.3 (MANE Select); 6 bases into the intron before coding-DNA position 4366, T replaced by C.
Molecular consequence: intron variant.
Genome position (GRCh38, 1-based): chr16:15,721,640, A>G on the plus strand (T>C on the coding strand, the complement: MYH11 is on the minus strand). VCF-style: chr16-15721640-A-G. GRCh37 (hg19) VCF-style: chr16-15815497-A-G.
Other names: c.948-2551A>G (NM_001143979.2, NM_017668.3); c.4366-6T>C (NM_022844.3); c.4387-6T>C (NM_001040114.2, NM_001040113.2).
Identifiers: ClinVar variation 3072857 (VCV003072857.1), dbSNP rs763623128, ClinGen allele CA7921676.
Genomic context (GRCh38, chr16:15,721,640, plus strand): 5'-CTCTGTCCCTCTCATCCGCGTATTTGGAAGAGATGTTTTTCTCCTCGGCTAACAACTACA[A>G]CACAAGACCCAGAGGTGACTTCTAGGCATATCCGGGGTCAGCGTCACTGAATTGTAAATA-3'